The following is an entry in ClinVar:

ClinVar aggregate classification (germline): Uncertain significance (1 of 4 stars; one submission).

Conditions:
Joubert syndrome. Also called: CEREBELLOPARENCHYMAL DISORDER IV; JOUBERT-BOLTSHAUSER SYNDROME; Familial aplasia of the vermis. Identifiers: Orphanet 475, MedGen C5979921, MONDO:0018772.

Allele frequency attached by ClinVar (database versions not stated): gnomAD exomes below 0.00001.
gnomAD v4.1: 1 of 1,573,148 alleles (0.000064%); highest among the groups gnomAD compares: Non-Finnish European, 0.000086%; no homozygotes.

Submission:

Labcorp Genetics (formerly Invitae), Labcorp
Classification: Uncertain significance for Joubert syndrome. Last evaluated: 2022-11-01. Review status: criteria provided, single submitter. Criteria: Invitae Variant Classification Sherloc (09022015). Collection method: clinical testing. Allele origin: germline.
Comment: This sequence change replaces arginine, which is basic and polar, with lysine, which is basic and polar, at codon 113 of the INPP5E protein (p.Arg113Lys). This variant is not present in population databases (gnomAD no frequency). This variant has not been reported in the literature in individuals affected with INPP5E-related conditions. ClinVar contains an entry for this variant (Variation ID: 1515683). Advanced modeling of protein sequence and biophysical properties (such as structural, functional, and spatial information, amino acid conservation, physicochemical variation, residue mobility, and thermodynamic stability) performed at Invitae indicates that this missense variant is not expected to disrupt INPP5E protein function. In summary, the available evidence is currently insufficient to determine the role of this variant in disease. Therefore, it has been classified as a Variant of Uncertain Significance.

NM_019892.6(INPP5E):c.338G>A (p.Arg113Lys)

Gene: INPP5E (inositol polyphosphate-5-phosphatase E; minus strand). Cytogenetic location: 9q34.3.
Variant type: single nucleotide variant.
Coding change: c.338G>A on transcript NM_019892.6 (MANE Select); coding-DNA position 338, G replaced by A.
Protein change: p.Arg113Lys; replaces arginine 113 with lysine.
Molecular consequence: missense variant.
Genome position (GRCh38, 1-based): chr9:136,439,082, C>T on the plus strand (G>A on the coding strand, the complement: INPP5E is on the minus strand). VCF-style: chr9-136439082-C-T. GRCh37 (hg19) VCF-style: chr9-139333534-C-T.
Other names: c.338G>A, p.Arg113Lys (NM_001318502.2); short protein forms R113K.
Identifiers: ClinVar variation 1515683 (VCV001515683.6), dbSNP rs2131619250, ClinGen allele CA375569680.